The following is an entry in ClinVar:

NM_000222.3(KIT):c.1952T>G (p.Met651Arg)

Gene: KIT (KIT proto-oncogene, receptor tyrosine kinase; plus strand). Cytogenetic location: 4q12.
Variant type: single nucleotide variant.
Coding change: c.1952T>G on transcript NM_000222.3 (MANE Select); coding-DNA position 1952, T replaced by G.
Protein change: p.Met651Arg; replaces methionine 651 with arginine.
Molecular consequence: missense variant.
Genome position (GRCh38, 1-based): chr4:54,728,083, T>G. VCF-style: chr4-54728083-T-G. GRCh37 (hg19) VCF-style: chr4-55594249-T-G.
Other names: c.1940T>G, p.Met647Arg (NM_001093772.2, NM_001385286.1); c.1955T>G, p.Met652Arg (NM_001385284.1, NM_001385290.1); c.1952T>G, p.Met651Arg (NM_001385285.1); c.1943T>G, p.Met648Arg (NM_001385288.1, NM_001385292.1); short protein forms M647R, M652R, M651R, M648R.
Identifiers: ClinVar variation 2095786 (VCV002095786.4), dbSNP rs1374100918, ClinGen allele CA356908726.

ClinVar aggregate classification (germline): Uncertain significance (1 of 4 stars; one submission).

Conditions:
Gastrointestinal stromal tumor. Also called: Gastrointestinal stroma tumor; Gastrointestinal stromal tumor, somatic. Identifiers: Orphanet 44890, MedGen C0238198, MeSH D046152, MONDO:0011719, OMIM 606764, HP:0100723.

Allele frequency attached by ClinVar (database versions not stated): gnomAD exomes below 0.00001.
gnomAD v4.1: 2 of 1,613,644 alleles (0.00012%); highest among the groups gnomAD compares: Non-Finnish European, 0.00017%; no homozygotes.

Submission:

Labcorp Genetics (formerly Invitae), Labcorp
Classification: Uncertain significance for Gastrointestinal stromal tumor. Last evaluated: 2022-02-09. Review status: criteria provided, single submitter. Criteria: Invitae Variant Classification Sherloc (09022015). Collection method: clinical testing. Allele origin: germline.
Comment: In summary, the available evidence is currently insufficient to determine the role of this variant in disease. Therefore, it has been classified as a Variant of Uncertain Significance. Algorithms developed to predict the effect of sequence changes on RNA splicing suggest that this variant may create or strengthen a splice site. Algorithms developed to predict the effect of missense changes on protein structure and function are either unavailable or do not agree on the potential impact of this missense change (SIFT: "Deleterious"; PolyPhen-2: "Benign"; Align-GVGD: "Class C0"). This variant has not been reported in the literature in individuals affected with KIT-related conditions. This variant is present in population databases (no rsID available, gnomAD 0.0009%). This sequence change replaces methionine, which is neutral and non-polar, with arginine, which is basic and polar, at codon 651 of the KIT protein (p.Met651Arg).